The following is an entry in ClinVar:

ClinVar aggregate classification (germline): Uncertain significance (1 of 4 stars; one submission).

Conditions:
Bardet-Biedl syndrome (BBS). Identifiers: Orphanet 110, MedGen C0752166, MONDO:0015229.

Allele frequency attached by ClinVar (database versions not stated): gnomAD exomes below 0.00001.

Submission:

Labcorp Genetics (formerly Invitae), Labcorp
Classification: Uncertain significance for Bardet-Biedl syndrome. Last evaluated: 2023-05-29. Review status: criteria provided, single submitter. Criteria: Invitae Variant Classification Sherloc (09022015). Collection method: clinical testing. Allele origin: germline.
Comment: In summary, the available evidence is currently insufficient to determine the role of this variant in disease. Therefore, it has been classified as a Variant of Uncertain Significance. Advanced modeling of protein sequence and biophysical properties (such as structural, functional, and spatial information, amino acid conservation, physicochemical variation, residue mobility, and thermodynamic stability) performed at Invitae indicates that this missense variant is expected to disrupt BBS10 protein function. This missense change has been observed in individual(s) with clinical features of BBS10-related conditions (PMID: 21344540). This variant is not present in population databases (gnomAD no frequency). This sequence change replaces leucine, which is neutral and non-polar, with serine, which is neutral and polar, at codon 600 of the BBS10 protein (p.Leu600Ser).

Literature cited by the submitters: PubMed 21344540.

NM_024685.4(BBS10):c.1799T>C (p.Leu600Ser)

Gene: BBS10 (Bardet-Biedl syndrome 10; minus strand). Cytogenetic location: 12q21.2.
Variant type: single nucleotide variant.
Coding change: c.1799T>C on transcript NM_024685.4 (MANE Select); coding-DNA position 1799, T replaced by C.
Protein change: p.Leu600Ser; replaces leucine 600 with serine.
Molecular consequence: missense variant.
Genome position (GRCh38, 1-based): chr12:76,346,186, A>G on the plus strand (T>C on the coding strand, the complement: BBS10 is on the minus strand). VCF-style: chr12-76346186-A-G. GRCh37 (hg19) VCF-style: chr12-76739966-A-G.
Other names: short protein forms L600S.
Identifiers: ClinVar variation 2735914 (VCV002735914.3), dbSNP rs2540955218, ClinGen allele CA385809886.